The following is an entry in ClinVar:

NM_024422.6(DSC2):c.2250+2T>C

Gene: DSC2 (desmocollin 2; minus strand). Cytogenetic location: 18q12.1.
Variant type: single nucleotide variant.
Coding change: c.2250+2T>C on transcript NM_024422.6 (MANE Select); the canonical splice donor site of the intron after coding-DNA position 2250, T replaced by C.
Molecular consequence: splice donor variant.
Genome position (GRCh38, 1-based): chr18:31,070,724, A>G on the plus strand (T>C on the coding strand, the complement: DSC2 is on the minus strand). VCF-style: chr18-31070724-A-G. GRCh37 (hg19) VCF-style: chr18-28650690-A-G.
Other names: c.2250+2T>C (NM_004949.5); c.1821+2T>C (NM_001406506.1, NM_001406507.1).
Identifiers: ClinVar variation 419220 (VCV000419220.14), dbSNP rs1064793731, ClinGen allele CA16620671.

ClinVar aggregate classification (germline): Conflicting classifications of pathogenicity. Review status: criteria provided, conflicting classifications (1 of 4 stars). 5 submissions from 5 submitters: Likely pathogenic (3); Uncertain significance (2). Last evaluated 2026-08-05.

Conditions:
Cardiomyopathy (CMYO). Also called: Cardiomyopathies. Identifiers: Orphanet 167848, MedGen C0878544, MONDO:0004994, HP:0001638. Inheritance: Various modes of inheritance.
Familial isolated arrhythmogenic right ventricular dysplasia. Identifiers: Orphanet 217656, MedGen C4274968, MONDO:0016342.
Arrhythmogenic right ventricular dysplasia 11. Also called: Arrhythmogenic right ventricular dysplasia 11 with mild palmoplantar keratoderma and woolly hair; Arrhythmogenic Right Ventricular Dysplasia/Cardiomyopathy11; ARRHYTHMOGENIC RIGHT VENTRICULAR DYSPLASIA, FAMILIAL, 11. Identifiers: MedGen C1864850, MONDO:0012506, OMIM 610476.

Allele frequency attached by ClinVar (database versions not stated): gnomAD exomes 0.00001.
gnomAD v4.1: 9 of 1,613,760 alleles (0.00056%); highest among the groups gnomAD compares: Non-Finnish European, 0.00076%; no homozygotes.

Submissions (5):

GeneDx
Classification: Likely pathogenic. Last evaluated: 2026-08-05. Review status: criteria provided, single submitter. Criteria: GeneDx Variant Classification Process June 2021. Collection method: clinical testing. Allele origin: germline.
Comment: Canonical splice site variant predicted to result in a null allele in a gene for which loss of function is a known mechanism of disease; Reported in individuals with ARVC; however, detailed clinical information was not provided (PMID: 36264615); Not observed at significant frequency in large population cohorts (gnomAD); This variant is associated with the following publications: (PMID: 31589614, 33087929, 36264615)

Labcorp Genetics (formerly Invitae), Labcorp
Classification: Likely pathogenic for Arrhythmogenic right ventricular dysplasia 11. Last evaluated: 2025-09-10. Review status: criteria provided, single submitter. Criteria: Invitae Variant Classification Sherloc (09022015). Collection method: clinical testing. Allele origin: germline.
Comment: This sequence change affects a donor splice site in intron 14 of the DSC2 gene. It is expected to disrupt RNA splicing. Variants that disrupt the donor or acceptor splice site typically lead to a loss of protein function (PMID: 16199547), and loss-of-function variants in DSC2 are known to be pathogenic (PMID: 23911551). This variant is not present in population databases (gnomAD no frequency). This variant has not been reported in the literature in individuals affected with DSC2-related conditions. ClinVar contains an entry for this variant (Variation ID: 419220). Algorithms developed to predict the effect of sequence changes on RNA splicing suggest that this variant may disrupt the consensus splice site. In summary, the currently available evidence indicates that the variant is pathogenic, but additional data are needed to prove that conclusively. Therefore, this variant has been classified as Likely Pathogenic.

Color Diagnostics, LLC DBA Color Health
Classification: Uncertain significance for Cardiomyopathy. Last evaluated: 2025-07-09. Review status: criteria provided, single submitter. Criteria: ACMG Guidelines, 2015. Collection method: clinical testing. Allele origin: germline.
Comment: This variant causes a T to C nucleotide substitution at the +2 position of intron 14 of the DSC2 gene. Splice site prediction tools suggest that this variant may have a significant impact on RNA splicing. To our knowledge, RNA studies have not been reported for this variant. This variant has not been reported in individuals affected with DSC2-related disorders in the literature. This variant has not been identified in the general population by the Genome Aggregation Database (gnomAD). Clinical relevance of loss-of-function DSC2 truncation and splice variants in autosomal dominant cardiovascular disorders is not clearly established. The available evidence is insufficient to determine the role of this variant in disease conclusively. Therefore, this variant is classified as a Variant of Uncertain Significance.

All of Us Research Program, National Institutes of Health
Classification: Uncertain significance for Familial isolated arrhythmogenic right ventricular dysplasia. Last evaluated: 2023-08-14. Review status: criteria provided, single submitter. Criteria: ACMG Guidelines, 2015. Collection method: clinical testing. Allele origin: germline. Inheritance: Autosomal dominant inheritance. Observed: 1 variant allele, 1 heterozygote.
Comment: This study involves interpretation of variants in research participants for the purpose of population health screening. Participant phenotype was not available at the time of variant classification. Additional details can be found in publication PMID: 35346344, PMCID: PMC8962531

Fulgent Genetics
Classification: Likely pathogenic for Arrhythmogenic right ventricular dysplasia 11. Last evaluated: 2021-10-02. Review status: criteria provided, single submitter. Criteria: ACMG Guidelines, 2015. Collection method: clinical testing. Allele origin: unknown.

Literature cited by the submitters: PubMed 16199547 (cited by Labcorp Genetics (formerly Invitae), Labcorp); PubMed 23911551 (cited by Labcorp Genetics (formerly Invitae), Labcorp).